The following is an entry in ClinVar:

ClinVar aggregate classification (germline): Conflicting classifications of pathogenicity. Review status: criteria provided, conflicting classifications (1 of 4 stars). 3 submissions from 3 submitters: Likely pathogenic (1); Uncertain significance (2). Last evaluated 2024-05-17.

Conditions:
Multiple congenital anomalies-hypotonia-seizures syndrome 1 (MCAHS1). Also called: PIGN-CDG; Congenital disorder of glycosylation due to PIGN deficiency; GLYCOSYLPHOSPHATIDYLINOSITOL BIOSYNTHESIS DEFECT 3. Identifiers: Orphanet 280633, MedGen C3279775, MONDO:0013563, OMIM 614080.

Allele frequency attached by ClinVar (database versions not stated): gnomAD 0.00001 and 0.00003; gnomAD exomes 0.00001 and 0.00004; TOPMed 0.00004; ExAC 0.00005.
gnomAD v4.1: 26 of 1,613,124 alleles (0.0016%); highest among the groups gnomAD compares: South Asian, 0.0022%; no homozygotes.

Submissions (3):

Women's Health and Genetics/Laboratory Corporation of America, LabCorp
Classification: Uncertain significance. Last evaluated: 2024-05-17. Review status: criteria provided, single submitter. Criteria: LabCorp Variant Classification Summary - May 2015. Collection method: clinical testing. Allele origin: germline.
Comment: Variant summary: PIGN c.1505A>G (p.Gln502Arg) results in a conservative amino acid change located in the GPI ethanolamine phosphate transferase 1, C-terminal domain (IPR017852) of the encoded protein sequence. Three of five in-silico tools predict a benign effect of the variant on protein function. The variant allele was found at a frequency of 3.6e-05 in 248720 control chromosomes. The available data on variant occurrences in the general population are insufficient to allow any conclusion about variant significance. To our knowledge, c.1505A>G has not been reported in the literature in individuals affected with Multiple Congenital Anomalies-Hypotonia Syndrome 1, and no experimental evidence demonstrating an impact on protein function has been reported. The following publication has been ascertained in the context of this evaluation (PMID: 30709774). ClinVar contains an entry for this variant (Variation ID: 965066). Based on the evidence outlined above, the variant was classified as uncertain significance.

Labcorp Genetics (formerly Invitae), Labcorp
Classification: Uncertain significance for Multiple congenital anomalies-hypotonia-seizures syndrome 1. Last evaluated: 2024-01-15. Review status: criteria provided, single submitter. Criteria: Invitae Variant Classification Sherloc (09022015). Collection method: clinical testing. Allele origin: germline.
Comment: This sequence change replaces glutamine, which is neutral and polar, with arginine, which is basic and polar, at codon 502 of the PIGN protein (p.Gln502Arg). This variant is present in population databases (rs748821498, gnomAD 0.007%). This variant has not been reported in the literature in individuals affected with PIGN-related conditions. ClinVar contains an entry for this variant (Variation ID: 965066). Advanced modeling of protein sequence and biophysical properties (such as structural, functional, and spatial information, amino acid conservation, physicochemical variation, residue mobility, and thermodynamic stability) has been performed at Invitae for this missense variant, however the output from this modeling did not meet the statistical confidence thresholds required to predict the impact of this variant on PIGN protein function. In summary, the available evidence is currently insufficient to determine the role of this variant in disease. Therefore, it has been classified as a Variant of Uncertain Significance.

GeneDx
Classification: Likely pathogenic. Last evaluated: 2022-11-17. Review status: criteria provided, single submitter. Criteria: GeneDx Variant Classification Process June 2021. Collection method: clinical testing. Allele origin: germline. Affected: yes.
Comment: Reported as heterozyous variant in fibroblasts of an individual with mitochondrial encephalopathy lactic acidosis and stroke-like episode syndrome (MELAS); however, a second variant in PIGN was not identified (Uttenbogaard et al., 2019); Not observed at significant frequency in large population cohorts (gnomAD); In silico analysis, which includes protein predictors and evolutionary conservation, supports a deleterious effect; This variant is associated with the following publications: (PMID: 30709774)

Literature cited by the submitters: PubMed 30709774 (cited by Women's Health and Genetics/Laboratory Corporation of America, LabCorp).

NM_176787.5(PIGN):c.1505A>G (p.Gln502Arg)

Gene: PIGN (phosphatidylinositol glycan anchor biosynthesis class N; minus strand). Cytogenetic location: 18q21.33.
Variant type: single nucleotide variant.
Coding change: c.1505A>G on transcript NM_176787.5 (MANE Select); coding-DNA position 1505, A replaced by G.
Protein change: p.Gln502Arg; replaces glutamine 502 with arginine.
Molecular consequence: missense variant.
Genome position (GRCh38, 1-based): chr18:62,109,903, T>C on the plus strand (A>G on the coding strand, the complement: PIGN is on the minus strand). VCF-style: chr18-62109903-T-C. GRCh37 (hg19) VCF-style: chr18-59777136-T-C.
Other names: c.1505A>G, p.Gln502Arg (NM_012327.6); short protein forms Q502R.
Identifiers: ClinVar variation 965066 (VCV000965066.10), dbSNP rs748821498, ClinGen allele CA8982267.